The following is an entry in ClinVar:

NM_005340.7(HINT1):c.54C>G (p.Ile18Met)

Gene: HINT1 (histidine triad nucleotide binding protein 1; minus strand). Cytogenetic location: 5q23.3.
Variant type: single nucleotide variant.
Coding change: c.54C>G on transcript NM_005340.7 (MANE Select); coding-DNA position 54, C replaced by G.
Protein change: p.Ile18Met; replaces isoleucine 18 with methionine.
Molecular consequence: missense variant. On other transcripts: non-coding transcript variant (5).
Genome position (GRCh38, 1-based): chr5:131,165,152, G>C on the plus strand (C>G on the coding strand, the complement: HINT1 is on the minus strand). VCF-style: chr5-131165152-G-C. GRCh37 (hg19) VCF-style: chr5-130500845-G-C.
Other names: short protein forms I18M.
Identifiers: ClinVar variation 1056412 (VCV001056412.4), dbSNP rs1755366892, ClinGen allele CA360839104.

ClinVar aggregate classification (germline): Uncertain significance (1 of 4 stars; one submission).

Conditions:
Autosomal recessive axonal neuropathy with neuromyotonia (NMAN). Also called: Neuromyotonia and axonal neuropathy, autosomal recessive; MYOKYMIA, MYOTONIA, AND MUSCLE WASTING; Gamstorp-Wohlfart syndrome. Identifiers: Orphanet 324442, MedGen C5700127, MONDO:0007646, OMIM 137200.

Allele frequency attached by ClinVar (database versions not stated): gnomAD exomes below 0.00001; gnomAD 0.00001.
gnomAD v4.1: 3 of 1,612,250 alleles (0.00019%); highest among the groups gnomAD compares: Admixed American, 0.0033%; no homozygotes.

Submission:

Labcorp Genetics (formerly Invitae), Labcorp
Classification: Uncertain significance for Autosomal recessive axonal neuropathy with neuromyotonia. Last evaluated: 2021-10-17. Review status: criteria provided, single submitter. Criteria: Invitae Variant Classification Sherloc (09022015). Collection method: clinical testing. Allele origin: germline.
Comment: This sequence change replaces isoleucine with methionine at codon 18 of the HINT1 protein (p.Ile18Met). The isoleucine residue is highly conserved and there is a small physicochemical difference between isoleucine and methionine. This variant is not present in population databases (ExAC no frequency). This variant has not been reported in the literature in individuals affected with HINT1-related conditions. Algorithms developed to predict the effect of missense changes on protein structure and function are either unavailable or do not agree on the potential impact of this missense change (SIFT: "Deleterious"; PolyPhen-2: "Possibly Damaging"; Align-GVGD: "Class C0"). In summary, the available evidence is currently insufficient to determine the role of this variant in disease. Therefore, it has been classified as a Variant of Uncertain Significance.